The following is an entry in ClinVar:

ClinVar aggregate classification (germline): Uncertain significance. Review status: criteria provided, multiple submitters, no conflicts (2 of 4 stars). 2 submissions from 2 submitters: Uncertain significance (2). Last evaluated 2024-10-13.

Conditions:
Inborn genetic diseases. Identifiers: MedGen C0950123, MeSH D030342.
Aortic valve disease 2 (AOVD2). Identifiers: MedGen C3542024, MONDO:0013902, OMIM 614823.

Allele frequency attached by ClinVar (database versions not stated): gnomAD exomes below 0.00001; gnomAD 0.00001.
gnomAD v4.1: 5 of 1,230,722 alleles (0.00041%); highest among the groups gnomAD compares: Non-Finnish European, 0.00051%; no homozygotes.

Submissions (2):

Labcorp Genetics (formerly Invitae), Labcorp
Classification: Uncertain significance for Aortic valve disease 2. Last evaluated: 2024-10-13. Review status: criteria provided, single submitter. Criteria: Invitae Variant Classification Sherloc (09022015). Collection method: clinical testing. Allele origin: germline.
Comment: This sequence change replaces proline, which is neutral and non-polar, with leucine, which is neutral and non-polar, at codon 117 of the SMAD6 protein (p.Pro117Leu). This variant is present in population databases (no rsID available, gnomAD 0.007%). This variant has not been reported in the literature in individuals affected with SMAD6-related conditions. ClinVar contains an entry for this variant (Variation ID: 1732147). An algorithm developed to predict the effect of missense changes on protein structure and function (PolyPhen-2) suggests that this variant is likely to be tolerated. In summary, the available evidence is currently insufficient to determine the role of this variant in disease. Therefore, it has been classified as a Variant of Uncertain Significance.

Ambry Genetics
Classification: Uncertain significance for Inborn genetic diseases. Last evaluated: 2021-07-04. Review status: criteria provided, single submitter. Criteria: Ambry Variant Classification Scheme 2023. Collection method: clinical testing. Allele origin: germline.
Comment: The p.P117L variant (also known as c.350C>T), located in coding exon 1 of the SMAD6 gene, results from a C to T substitution at nucleotide position 350. The proline at codon 117 is replaced by leucine, an amino acid with similar properties. This amino acid position is conserved. In addition, this alteration is predicted to be tolerated by in silico analysis. Since supporting evidence is limited at this time, the clinical significance of this alteration remains unclear.

NM_005585.5(SMAD6):c.350C>T (p.Pro117Leu)

Gene: SMAD6 (SMAD family member 6; plus strand). Cytogenetic location: 15q22.31.
Variant type: single nucleotide variant.
Coding change: c.350C>T on transcript NM_005585.5 (MANE Select); coding-DNA position 350, C replaced by T.
Protein change: p.Pro117Leu; replaces proline 117 with leucine.
Molecular consequence: missense variant. On other transcripts: non-coding transcript variant (1).
Genome position (GRCh38, 1-based): chr15:66,703,608, C>T. VCF-style: chr15-66703608-C-T. GRCh37 (hg19) VCF-style: chr15-66995946-C-T.
Other names: short protein forms P117L.
Identifiers: ClinVar variation 1732147 (VCV001732147.5), dbSNP rs1393785160, ClinGen allele CA392949353.
Genomic context (GRCh38, chr15:66,703,608, plus strand): 5'-GGGCCGGCGCTGGGAGCTCCCTGCTGGACGTGGCGGAGCCGGGAGGCCCGGGCTGGCTGC[C>T]CGAGAGTGACTGCGAGACGGTGACCTGCTGTCTCTTTTCGGAGCGGGACGCCGCCGGCGC-3'
Protein context (NP_005576.3, residues 107-127): VAEPGGPGWL[Pro117Leu]ESDCETVTCC